The following is an entry in ClinVar:

NM_172245.4(CSF2RA):c.266A>G (p.His89Arg)

Gene: CSF2RA (colony stimulating factor 2 receptor subunit alpha; plus strand). Cytogenetic location: Xp22.33.
Variant type: single nucleotide variant.
Coding change: c.266A>G on transcript NM_172245.4 (MANE Select); coding-DNA position 266, A replaced by G.
Protein change: p.His89Arg; replaces histidine 89 with arginine.
Molecular consequence: missense variant. On other transcripts: 5 prime UTR variant (1), non-coding transcript variant (1).
Genome position (GRCh38, 1-based): chrX:1,288,565, A>G. VCF-style: chrX-1288565-A-G. GRCh37 (hg19) VCF-style: chrX-1407458-A-G.
Other names: c.266A>G, p.His89Arg (NM_001161529.2, NM_001161530.2, NM_001161531.2 and 21 more transcripts); c.-134A>G (NM_001161532.2); short protein forms H89R.
Identifiers: ClinVar variation 2159348 (VCV002159348.1), dbSNP rs746838356, ClinGen allele CA10330741.

ClinVar aggregate classification (germline): Uncertain significance (1 of 4 stars; one submission).

Conditions:
Surfactant metabolism dysfunction, pulmonary, 4 (SMDP4). Also called: PULMONARY ALVEOLAR PROTEINOSIS, CONGENITAL, 4; CSF2RA DEFICIENCY; PAP DUE TO CSF2RA DEFICIENCY. Identifiers: Orphanet 264675, MedGen C2677877, MONDO:0010424, OMIM 300770.

Allele frequency attached by ClinVar (database versions not stated): gnomAD exomes 0.00001; TOPMed 0.00001; ExAC 0.00002.
gnomAD v4.1: 13 of 1,613,936 alleles (0.00081%); highest among the groups gnomAD compares: Admixed American, 0.018%; 1 homozygote.

Submission:

Labcorp Genetics (formerly Invitae), Labcorp
Classification: Uncertain significance for Surfactant metabolism dysfunction, pulmonary, 4. Last evaluated: 2022-08-09. Review status: criteria provided, single submitter. Criteria: Invitae Variant Classification Sherloc (09022015). Collection method: clinical testing. Allele origin: germline.
Comment: This sequence change replaces histidine, which is basic and polar, with arginine, which is basic and polar, at codon 89 of the CSF2RA protein (p.His89Arg). This variant is present in population databases (no rsID available, gnomAD 0.03%), including at least one homozygous and/or hemizygous individual. This variant has not been reported in the literature in individuals affected with CSF2RA-related conditions. Algorithms developed to predict the effect of missense changes on protein structure and function are either unavailable or do not agree on the potential impact of this missense change (SIFT: "Deleterious"; PolyPhen-2: "Probably Damaging"; Align-GVGD: "Class C0"). In summary, the available evidence is currently insufficient to determine the role of this variant in disease. Therefore, it has been classified as a Variant of Uncertain Significance.